The following is an entry in ClinVar:

NM_004836.7(EIF2AK3):c.2018T>C (p.Ile673Thr)

Gene: EIF2AK3 (eukaryotic translation initiation factor 2 alpha kinase 3; minus strand). Cytogenetic location: 2p11.2.
Variant type: single nucleotide variant.
Coding change: c.2018T>C on transcript NM_004836.7 (MANE Select); coding-DNA position 2018, T replaced by C.
Protein change: p.Ile673Thr; replaces isoleucine 673 with threonine.
Molecular consequence: missense variant.
Genome position (GRCh38, 1-based): chr2:88,576,572, A>G on the plus strand (T>C on the coding strand, the complement: EIF2AK3 is on the minus strand). VCF-style: chr2-88576572-A-G. GRCh37 (hg19) VCF-style: chr2-88876090-A-G.
Other names: c.1565T>C, p.Ile522Thr (NM_001313915.2); short protein forms I522T, I673T.
Identifiers: ClinVar variation 1418293 (VCV001418293.7), dbSNP rs774582330, ClinGen allele CA1754538.

ClinVar aggregate classification (germline): Uncertain significance (1 of 4 stars; one submission).

Allele frequency attached by ClinVar (database versions not stated): ExAC 0.00001; gnomAD exomes 0.00001 and 0.00003; gnomAD 0.00004 and 0.00005; TOPMed 0.00004.
gnomAD v4.1: 51 of 1,613,958 alleles (0.0032%); highest among the groups gnomAD compares: Non-Finnish European, 0.0038%; no homozygotes.

Submission:

Labcorp Genetics (formerly Invitae), Labcorp
Classification: Uncertain significance. Last evaluated: 2024-05-22. Review status: criteria provided, single submitter. Criteria: Invitae Variant Classification Sherloc (09022015). Collection method: clinical testing. Allele origin: germline.
Comment: This sequence change replaces isoleucine, which is neutral and non-polar, with threonine, which is neutral and polar, at codon 673 of the EIF2AK3 protein (p.Ile673Thr). This variant is present in population databases (rs774582330, gnomAD 0.002%). This variant has not been reported in the literature in individuals affected with EIF2AK3-related conditions. ClinVar contains an entry for this variant (Variation ID: 1418293). An algorithm developed to predict the effect of missense changes on protein structure and function (PolyPhen-2) suggests that this variant is likely to be tolerated. In summary, the available evidence is currently insufficient to determine the role of this variant in disease. Therefore, it has been classified as a Variant of Uncertain Significance.